The following is an entry in ClinVar:

ClinVar aggregate classification (germline): Uncertain significance. Review status: criteria provided, single submitter (1 of 4 stars). 2 submissions from 2 submitters: Uncertain significance (1). 1 of the submissions does not count toward it. Last evaluated 2025-08-11.

Conditions:
HRAS-related disorder. Also called: HRAS-related condition.
Costello syndrome (CSTLO). Also called: FCS SYNDROME; HRAS-Related Costello Syndrome; FACIOCUTANEOSKELETAL SYNDROME. Identifiers: Orphanet 3071, MedGen C0587248, MONDO:0009026, OMIM 218040.

Allele frequency attached by ClinVar (database versions not stated): TOPMed below 0.00001; gnomAD 0.00001; gnomAD exomes 0.00001.
gnomAD v4.1: 4 of 1,612,700 alleles (0.00025%); highest among the groups gnomAD compares: Admixed American, 0.0067%; no homozygotes.

Submissions (2):

Labcorp Genetics (formerly Invitae), Labcorp
Classification: Uncertain significance for Costello syndrome. Last evaluated: 2025-08-11. Review status: criteria provided, single submitter. Criteria: Invitae Variant Classification Sherloc (09022015). Collection method: clinical testing. Allele origin: germline.
Comment: This sequence change replaces aspartic acid, which is acidic and polar, with valine, which is neutral and non-polar, at codon 154 of the HRAS protein (p.Asp154Val). This variant is present in population databases (no rsID available, gnomAD 0.006%). This variant has not been reported in the literature in individuals affected with HRAS-related conditions. ClinVar contains an entry for this variant (Variation ID: 578573). Invitae Evidence Modeling incorporating data from in vitro experimental studies (internal data) indicates that this missense variant is not expected to disrupt HRAS function with a negative predictive value of 95%. In summary, the available evidence is currently insufficient to determine the role of this variant in disease. Therefore, it has been classified as a Variant of Uncertain Significance.

PreventionGenetics, part of Exact Sciences
Classification: Uncertain significance for HRAS-related condition. Last evaluated: 2024-01-03. Review status: no assertion criteria provided. Collection method: clinical testing. Allele origin: germline. Not counted in ClinVar's aggregate classification.
Comment: The HRAS c.461A>T variant is predicted to result in the amino acid substitution p.Asp154Val. To our knowledge, this variant has not been reported in the literature. This variant is reported in 0.0058% of alleles in individuals of Latino descent in gnomAD. At this time, the clinical significance of this variant is uncertain due to the absence of conclusive functional and genetic evidence.

NM_005343.4(HRAS):c.461A>T (p.Asp154Val)

Genes: HRAS (HRas proto-oncogene, GTPase; minus strand), LRRC56 (leucine rich repeat containing 56; plus strand). Cytogenetic location: 11p15.5.
Variant type: single nucleotide variant.
Coding change: c.461A>T on transcript NM_005343.4 (MANE Select); coding-DNA position 461, A replaced by T.
Protein change: p.Asp154Val; replaces aspartic acid 154 with valine.
Molecular consequence: missense variant. On other transcripts: 3 prime UTR variant (1).
Genome position (GRCh38, 1-based): chr11:532,745, T>A on the plus strand (A>T on the coding strand, the complement: HRAS is on the minus strand). VCF-style: chr11-532745-T-A. GRCh37 (hg19) VCF-style: chr11-532745-T-A.
Other names: c.461A>T (NM_005343.3); c.461A>T, p.Asp154Val (NM_001130442.3); c.224A>T, p.Asp75Val (NM_001318054.2); c.*30A>T (NM_176795.5); short protein forms D154V, D75V.
Identifiers: ClinVar variation 578573 (VCV000578573.9), dbSNP rs1434040739, ClinGen allele CA378921224.